The following is an entry in ClinVar:

ClinVar aggregate classification (germline): Uncertain significance (1 of 4 stars; one submission).

Conditions:
Marfan syndrome (MFS). Also called: MARFAN SYNDROME, TYPE I; Marfan syndrome type 1; Marfan's syndrome; FBN1-Related Marfan Syndrome; Marfan syndrome, classic. Identifiers: Orphanet 284963, Orphanet 558, MedGen C0024796, MONDO:0007947, OMIM 154700.

Submission:

All of Us Research Program, National Institutes of Health
Classification: Uncertain significance for Marfan syndrome. Last evaluated: 2024-05-30. Review status: criteria provided, single submitter. Criteria: ACMG Guidelines, 2015. Collection method: clinical testing. Allele origin: germline. Inheritance: Autosomal dominant inheritance. Observed: 1 variant allele, 1 heterozygote.
Comment: This missense variant replaces glutamic acid with glutamine at codon 1471 of the FBN1 protein. Computational prediction suggests that this variant may not impact protein structure and function (internally defined REVEL score threshold <= 0.5, PMID: 27666373). To our knowledge, functional studies have not been reported for this variant. This variant has not been reported in individuals affected with FBN1-related disorders in the literature. This variant has not been identified in the general population by the Genome Aggregation Database (gnomAD). The available evidence is insufficient to determine the role of this variant in disease conclusively. Therefore, this variant is classified as a Variant of Uncertain Significance.

This study involves interpretation of variants in research participants for the purpose of population health screening. Participant phenotype was not available at the time of variant classification. Additional details can be found in publication PMID: 35346344, PMCID: PMC8962531

NM_000138.5(FBN1):c.4411G>C (p.Glu1471Gln)

Gene: FBN1 (fibrillin 1; minus strand). Cytogenetic location: 15q21.1.
Variant type: single nucleotide variant.
Coding change: c.4411G>C on transcript NM_000138.5 (MANE Select); coding-DNA position 4411, G replaced by C.
Protein change: p.Glu1471Gln; replaces glutamic acid 1471 with glutamine.
Molecular consequence: missense variant.
Genome position (GRCh38, 1-based): chr15:48,470,682, C>G on the plus strand (G>C on the coding strand, the complement: FBN1 is on the minus strand). VCF-style: chr15-48470682-C-G. GRCh37 (hg19) VCF-style: chr15-48762879-C-G.
Other names: c.4411G>C, p.Glu1471Gln (NM_001406716.1); short protein forms E1471Q.
Identifiers: ClinVar variation 3386799 (VCV003386799.1).